The following is an entry in ClinVar:

ClinVar aggregate classification (germline): Benign/Likely benign. Review status: criteria provided, multiple submitters, no conflicts (2 of 4 stars). 6 submissions from 6 submitters: Benign (1); Likely benign (5). Last evaluated 2024-09-16.

Conditions:
Hereditary cancer-predisposing syndrome. Also called: Hereditary neoplastic syndrome; Neoplastic Syndromes, Hereditary; Tumor predisposition; Hereditary Cancer Syndrome. Identifiers: Orphanet 140162, MedGen C0027672, MeSH D009386, MONDO:0015356.
Familial cancer of breast. Also called: BREAST CANCER, FAMILIAL; Hereditary breast cancer; hereditary breast carcinoma. Identifiers: Orphanet 227535, MedGen C0346153, MONDO:0016419, OMIM 114480. Disease mechanism: loss of function.
Ataxia-telangiectasia syndrome (AT). Also called: LOUIS-BAR SYNDROME; Cerebello-oculocutaneous telangiectasia; Immunodeficiency with ataxia telangiectasia; AT, COMPLEMENTATION GROUP C; Ataxia-telangiectasia, complementation group D; ATAXIA-TELANGIECTASIA, COMPLEMENTATION GROUP A. Identifiers: Orphanet 100, MedGen C0004135, MONDO:0008840, OMIM 208900.

gnomAD v4.1: 1 of 1,613,946 alleles (0.000062%); no homozygotes.

Submissions (6):

Labcorp Genetics (formerly Invitae), Labcorp
Classification: Likely benign for Ataxia-telangiectasia syndrome. Last evaluated: 2024-09-16. Review status: criteria provided, single submitter. Criteria: Invitae Variant Classification Sherloc (09022015). Collection method: clinical testing. Allele origin: germline.

Myriad Genetics, Inc.
Classification: Benign for Familial cancer of breast. Last evaluated: 2024-05-15. Review status: criteria provided, single submitter. Criteria: Myriad Autosomal Dominant, Autosomal Recessive and X-Linked Classification Criteria (2023). Collection method: clinical testing. Allele origin: unknown.
Comment: This variant is considered benign. This variant is a silent/synonymous amino acid change and it is not expected to impact splicing.

Sema4
Classification: Likely benign for Hereditary cancer-predisposing syndrome. Last evaluated: 2021-10-20. Review status: criteria provided, single submitter. Criteria: Sema4 Curation Guidelines. Collection method: curation. Allele origin: germline.

GeneDx
Classification: Likely benign. Last evaluated: 2020-02-20. Review status: criteria provided, single submitter. Criteria: GeneDx Variant Classification Process June 2021. Collection method: clinical testing. Allele origin: germline. Affected: yes.
Comment: Not observed in large population cohorts (Lek et al., 2016)

Color Diagnostics, LLC DBA Color Health
Classification: Likely benign for Hereditary cancer-predisposing syndrome. Last evaluated: 2018-07-17. Review status: criteria provided, single submitter. Criteria: ACMG Guidelines, 2015. Collection method: clinical testing. Allele origin: germline.

Ambry Genetics
Classification: Likely benign for Hereditary cancer-predisposing syndrome. Last evaluated: 2016-04-19. Review status: criteria provided, single submitter. Criteria: Ambry Variant Classification Scheme 2023. Collection method: clinical testing. Allele origin: germline.

NM_000051.4(ATM):c.3897C>T (p.Ala1299=)

Gene: ATM (ATM serine/threonine kinase; plus strand). Cytogenetic location: 11q22.3.
Variant type: single nucleotide variant.
Coding change: c.3897C>T on transcript NM_000051.4 (MANE Select); coding-DNA position 3897, C replaced by T.
Protein change: p.Ala1299=; no amino-acid change (alanine 1299 retained).
Molecular consequence: synonymous variant.
Genome position (GRCh38, 1-based): chr11:108,284,377, C>T. VCF-style: chr11-108284377-C-T. GRCh37 (hg19) VCF-style: chr11-108155104-C-T.
Other names: c.3897C>T, p.Ala1299= (NM_001351834.2).
Identifiers: ClinVar variation 482594 (VCV000482594.21), dbSNP rs760491475, ClinGen allele CA476745098.
Genomic context (GRCh38, chr11:108,284,377, plus strand): 5'-GAAAAGTCTTCTAACAGACTGCTTTCCAAAGATTCTTGTAAATATTCTTCCTTATTTTGC[C>T]TATGAGGGTACCAGAGACAGTGGGATGGCACAGCAAAGAGAGACTGCTACCAAGGTCTAT-3'
Protein context (NP_000042.3, residues 1289-1309): KILVNILPYF[Ala1299=]YEGTRDSGMA